The following is an entry in ClinVar:

ClinVar aggregate classification (germline): Likely benign (1 of 4 stars; one submission).

Submission:

CeGaT Center for Human Genetics Tuebingen
Classification: Likely benign. Last evaluated: 2025-03-01. Review status: criteria provided, single submitter. Criteria: CeGaT Center For Human Genetics Tuebingen Variant Classification Criteria Version 2. Collection method: clinical testing. Allele origin: germline. Affected: yes. Observed: 1 variant allele.
Comment: MAST3: BP4, BP7

NM_001393504.1(MAST3):c.72-297G>T

Gene: MAST3 (microtubule associated serine/threonine kinase 3; plus strand). Cytogenetic location: 19p13.11.
Variant type: single nucleotide variant.
Coding change: c.72-297G>T on transcript NM_001393504.1 (MANE Select); 297 bases into the intron before coding-DNA position 72, G replaced by T.
Molecular consequence: intron variant. On other transcripts: synonymous variant (4).
Genome position (GRCh38, 1-based): chr19:18,110,355, G>T. VCF-style: chr19-18110355-G-T. GRCh37 (hg19) VCF-style: chr19-18221165-G-T.
Other names: c.36G>T, p.Ala12= (NM_001393503.1, NM_001393505.1, NM_001393507.1 and 1 more transcripts); c.72-297G>T (NM_001393501.1, NM_001393502.1); c.71+2737G>T (NM_001393508.1, NM_001393516.1, NM_001393514.1 and 6 more transcripts).
Identifiers: ClinVar variation 3778530 (VCV003778530.7).